The following is an entry in ClinVar:

ClinVar aggregate classification (germline): Benign (1 of 4 stars; one submission).

Allele frequency attached by ClinVar (database versions not stated): gnomAD 0.00221.

Submission:

CeGaT Center for Human Genetics Tuebingen
Classification: Benign. Last evaluated: 2022-07-01. Review status: criteria provided, single submitter. Criteria: CeGaT Center For Human Genetics Tuebingen Variant Classification Criteria Version 2. Collection method: clinical testing. Allele origin: germline. Affected: yes. Observed: 2 variant alleles.
Comment: HCN4: BS1, BS2

NC_000015.10:g.73377431del

Genes: HCN4 (hyperpolarization activated cyclic nucleotide gated potassium channel 4; minus strand), LOC110121492 (VISTA enhancer hs2161; plus strand). Cytogenetic location: 15q24.1.
Variant type: Deletion.
Genome position: GRCh38 VCF-style: chr15-73377430-TG-T. GRCh37 (hg19) VCF-style: chr15-73669771-TG-T.
Identifiers: ClinVar variation 2645523 (VCV002645523.24), dbSNP rs1209089525, ClinGen allele CA619079331.